The following is an entry in ClinVar:

NM_138393.4(REEP6):c.542C>G (p.Pro181Arg)

Gene: REEP6 (receptor accessory protein 6; plus strand). Cytogenetic location: 19p13.3.
Variant type: single nucleotide variant.
Coding change: c.542C>G on transcript NM_138393.4 (MANE Select); coding-DNA position 542, C replaced by G.
Protein change: p.Pro181Arg; replaces proline 181 with arginine.
Molecular consequence: missense variant.
Genome position (GRCh38, 1-based): chr19:1,497,198, C>G. VCF-style: chr19-1497198-C-G. GRCh37 (hg19) VCF-style: chr19-1497197-C-G.
Other names: c.542C>G (NM_138393.1); c.623C>G, p.Pro208Arg (NM_001329556.3); short protein forms P181R, P208R.
Identifiers: ClinVar variation 1967616 (VCV001967616.7), dbSNP rs1181930630, ClinGen allele CA402995213.
Genomic context (GRCh38, chr19:1,497,198, plus strand): 5'-CTCACGGCCCTCCCCCACCCGCCCCTCTCTCTGCAGTCAAGCCAAGCCAGACCCCGCAGC[C>G]GAAGGACAAGTGAAGCAGCCCCCTGAGCCTCACAAGGACCTCCTGGCTGGTGAGGAGGGG-3'
Protein context (NP_612402.1, residues 171-184): RNVKPSQTPQ[Pro181Arg]KDK

ClinVar aggregate classification (germline): Uncertain significance. Review status: criteria provided, multiple submitters, no conflicts (2 of 4 stars). 2 submissions from 2 submitters: Uncertain significance (2). Last evaluated 2023-04-25.

Conditions:
Inborn genetic diseases. Identifiers: MedGen C0950123, MeSH D030342.

gnomAD v4.1: 2 of 1,506,302 alleles (0.00013%); highest among the groups gnomAD compares: Admixed American, 0.0023%; no homozygotes.

Submissions (2):

Ambry Genetics
Classification: Uncertain significance for Inborn genetic diseases. Last evaluated: 2023-04-25. Review status: criteria provided, single submitter. Criteria: Ambry Variant Classification Scheme 2023. Collection method: clinical testing. Allele origin: germline.

Labcorp Genetics (formerly Invitae), Labcorp
Classification: Uncertain significance. Last evaluated: 2022-08-09. Review status: criteria provided, single submitter. Criteria: Invitae Variant Classification Sherloc (09022015). Collection method: clinical testing. Allele origin: germline.
Comment: This sequence change replaces proline, which is neutral and non-polar, with arginine, which is basic and polar, at codon 208 of the REEP6 protein (p.Pro208Arg). This variant is not present in population databases (gnomAD no frequency). This variant has not been reported in the literature in individuals affected with REEP6-related conditions. Experimental studies and prediction algorithms are not available or were not evaluated, and the functional significance of this variant is currently unknown. In summary, the available evidence is currently insufficient to determine the role of this variant in disease. Therefore, it has been classified as a Variant of Uncertain Significance.